The following is an entry in ClinVar:

NM_021098.3(CACNA1H):c.1237C>T (p.Leu413=)

Gene: CACNA1H (calcium voltage-gated channel subunit alpha1 H; plus strand). Cytogenetic location: 16p13.3.
Variant type: single nucleotide variant.
Coding change: c.1237C>T on transcript NM_021098.3 (MANE Select); coding-DNA position 1237, C replaced by T.
Protein change: p.Leu413=; no amino-acid change (leucine 413 retained).
Molecular consequence: synonymous variant.
Genome position (GRCh38, 1-based): chr16:1,201,687, C>T. VCF-style: chr16-1201687-C-T. GRCh37 (hg19) VCF-style: chr16-1251687-C-T.
Other names: c.1237C>T, p.Leu413= (NM_001005407.2).
Identifiers: ClinVar variation 1606030 (VCV001606030.31), dbSNP rs751828544, ClinGen allele CA276650380.

ClinVar aggregate classification (germline): Likely benign. Review status: criteria provided, multiple submitters, no conflicts (2 of 4 stars). 2 submissions from 2 submitters: Likely benign (2). Last evaluated 2025-01-08.

Conditions:
Idiopathic generalized epilepsy. Also called: Generalised epilepsy; EIG. Identifiers: MedGen C0270850, MONDO:0005579, OMIM 600669.
Hyperaldosteronism, familial, type IV (HALD4). Also called: FH IV; ALDOSTERONISM, PRIMARY, AND HYPERTENSION. Identifiers: Orphanet 642671, MedGen C4310756, MONDO:0014875, OMIM 617027.

Allele frequency attached by ClinVar (database versions not stated): gnomAD 0.00001; TOPMed 0.00001.
gnomAD v4.1: 16 of 1,605,148 alleles (0.001%); highest among the groups gnomAD compares: East Asian, 0.0045%; no homozygotes.

Submissions (2):

Labcorp Genetics (formerly Invitae), Labcorp
Classification: Likely benign for Idiopathic generalized epilepsy; Hyperaldosteronism, familial, type IV. Last evaluated: 2025-01-08. Review status: criteria provided, single submitter. Criteria: Invitae Variant Classification Sherloc (09022015). Collection method: clinical testing. Allele origin: germline.

CeGaT Center for Human Genetics Tuebingen
Classification: Likely benign. Last evaluated: 2022-05-01. Review status: criteria provided, single submitter. Criteria: CeGaT Center For Human Genetics Tuebingen Variant Classification Criteria Version 2. Collection method: clinical testing. Allele origin: germline. Affected: yes. Observed: 1 variant allele.
Comment: CACNA1H: BP4, BP7